The following is an entry in ClinVar:

NM_015404.4(WHRN):c.1251C>T (p.Ser417=)

Gene: WHRN (whirlin; minus strand). Cytogenetic location: 9q32.
Variant type: single nucleotide variant.
Coding change: c.1251C>T on transcript NM_015404.4 (MANE Select); coding-DNA position 1251, C replaced by T.
Protein change: p.Ser417=; no amino-acid change (serine 417 retained).
Molecular consequence: synonymous variant.
Genome position (GRCh38, 1-based): chr9:114,424,499, G>A on the plus strand (C>T on the coding strand, the complement: WHRN is on the minus strand). VCF-style: chr9-114424499-G-A. GRCh37 (hg19) VCF-style: chr9-117186779-G-A.
Other names: c.102C>T, p.Ser34= (NM_001083885.3); c.1251C>T, p.Ser417= (NM_001173425.2); c.198C>T, p.Ser66= (NM_001346890.1).
Identifiers: ClinVar variation 517611 (VCV000517611.5), dbSNP rs1554719002, ClinGen allele CA466778312.

ClinVar aggregate classification (germline): Likely benign (1 of 4 stars; one submission).

Submission:

Laboratory for Molecular Medicine, Mass General Brigham Personalized Medicine
Classification: Likely benign. Last evaluated: 2017-09-14. Review status: criteria provided, single submitter. Criteria: LMM Criteria. Collection method: clinical testing. Allele origin: germline. Observed: 1 variant allele.
Comment: p.Ser417Ser in exon 6 of DFNB31: This variant is not expected to have clinical s ignificance because it does not alter an amino acid residue, and it is not locat ed within the splice consensus sequence.